The following is an entry in ClinVar:

ClinVar aggregate classification (germline): Likely benign. Review status: criteria provided, multiple submitters, no conflicts (2 of 4 stars). 3 submissions from 3 submitters: Likely benign (3). Last evaluated 2024-07-03.

Conditions:
RYR1-related disorder. Also called: RYR1-related disorders; RYR1-related condition. Identifiers: MedGen CN239331.
Malignant hyperthermia, susceptibility to, 1 (MHS1). Also called: Anesthesia related hyperthermia; Malignant hyperpyrexia; Fulminating hyperpyrexia; Pharmacogenic myopathy; RYR1-Related Malignant Hyperthermia Susceptibility; Malignant hyperthermia suceptibility 1. Identifiers: Orphanet 423, MedGen C2930980, MONDO:0007783, OMIM 145600.

Allele frequency attached by ClinVar (database versions not stated): gnomAD exomes below 0.00001; TOPMed below 0.00001; ExAC 0.00002.
gnomAD v4.1: 5 of 1,614,064 alleles (0.00031%); highest among the groups gnomAD compares: South Asian, 0.0011%; no homozygotes.

Submissions (3):

Labcorp Genetics (formerly Invitae), Labcorp
Classification: Likely benign for RYR1-related disorder. Last evaluated: 2024-07-03. Review status: criteria provided, single submitter. Criteria: Invitae Variant Classification Sherloc (09022015). Collection method: clinical testing. Allele origin: germline.

All of Us Research Program, National Institutes of Health
Classification: Likely benign for Malignant hyperthermia, susceptibility to, 1. Last evaluated: 2024-03-24. Review status: criteria provided, single submitter. Criteria: ACMG Guidelines, 2015. Collection method: clinical testing. Allele origin: germline. Inheritance: Autosomal dominant inheritance. Observed: 1 variant allele, 1 heterozygote.
Comment: This study involves interpretation of variants in research participants for the purpose of population health screening. Participant phenotype was not available at the time of variant classification. Additional details can be found in publication PMID: 35346344, PMCID: PMC8962531

Color Diagnostics, LLC DBA Color Health
Classification: Likely benign for Malignant hyperthermia, susceptibility to, 1. Last evaluated: 2022-11-06. Review status: criteria provided, single submitter. Criteria: ACMG Guidelines, 2015. Collection method: clinical testing. Allele origin: germline.

NM_000540.3(RYR1):c.12459G>A (p.Val4153=)

Gene: RYR1 (ryanodine receptor 1; plus strand). Cytogenetic location: 19q13.2.
Variant type: single nucleotide variant.
Coding change: c.12459G>A on transcript NM_000540.3 (MANE Select); coding-DNA position 12459, G replaced by A.
Protein change: p.Val4153=; no amino-acid change (valine 4153 retained).
Molecular consequence: synonymous variant.
Genome position (GRCh38, 1-based): chr19:38,561,289, G>A. VCF-style: chr19-38561289-G-A. GRCh37 (hg19) VCF-style: chr19-39051929-G-A.
Other names: c.12444G>A, p.Val4148= (NM_001042723.2).
Identifiers: ClinVar variation 2151386 (VCV002151386.5), dbSNP rs759562993, ClinGen allele CA058907.